The following is an entry in ClinVar:

NM_014797.3(ZBTB24):c.1369C>T (p.Arg457Ter)

Gene: ZBTB24 (zinc finger and BTB domain containing 24; minus strand). Cytogenetic location: 6q21.
Variant type: single nucleotide variant.
Coding change: c.1369C>T on transcript NM_014797.3 (MANE Select); coding-DNA position 1369, C replaced by T.
Protein change: p.Arg457Ter; replaces arginine 457 with a stop codon.
Molecular consequence: nonsense.
Genome position (GRCh38, 1-based): chr6:109,467,654, G>A on the plus strand (C>T on the coding strand, the complement: ZBTB24 is on the minus strand). VCF-style: chr6-109467654-G-A. GRCh37 (hg19) VCF-style: chr6-109788857-G-A.
Other names: short protein forms R457*.
Identifiers: ClinVar variation 31097 (VCV000031097.4), dbSNP rs387907106, ClinGen allele CA129666.

ClinVar aggregate classification (germline): Pathogenic/Likely pathogenic. Review status: criteria provided, multiple submitters, no conflicts (2 of 4 stars). 3 submissions from 3 submitters: Pathogenic (1); Likely pathogenic (1). 1 of the submissions does not count toward it. Last evaluated 2023-03-14.

Conditions:
Immunodeficiency-centromeric instability-facial anomalies syndrome 2 (ICF2). Identifiers: Orphanet 2268, MedGen C3279748, MONDO:0013553, OMIM 614069.

Allele frequency attached by ClinVar (database versions not stated): gnomAD exomes 0.00001; ExAC 0.00001.
gnomAD v4.1: 9 of 1,614,034 alleles (0.00056%); highest among the groups gnomAD compares: East Asian, 0.0045%; no homozygotes.

Submissions (3):

Women's Health and Genetics/Laboratory Corporation of America, LabCorp
Classification: Pathogenic for Immunodeficiency-centromeric instability-facial anomalies syndrome 2. Last evaluated: 2023-03-14. Review status: criteria provided, single submitter. Criteria: LabCorp Variant Classification Summary - May 2015. Collection method: clinical testing. Allele origin: germline.
Comment: Variant summary: ZBTB24 c.1369C>T (p.Arg457X) results in a premature termination codon, predicted to cause a truncation of the encoded protein or absence of the protein due to nonsense mediated decay, which are commonly known mechanisms for disease. At least one truncation downstream of this position (c.1492_1493delCA/p.Gln498Valfs*15) has been classified as pathogenic in ClinVar and is reported in association with Immunodeficiency, centromeric instability and facial anomalies syndrome 2 in HGMD. The variant allele was found at a frequency of 1.2e-05 in 251446 control chromosomes. The available data on variant occurrences in the general population are insufficient to allow any conclusion about variant significance. c.1369C>T has been reported in the literature in individuals affected with ICF Syndrome, Type 2 (e.g., deGreef_2011, Kamae_2018, Velasco_2014). These data indicate that the variant is likely to be associated with disease. Several publications report experimental evidence evaluating an impact on protein function, finding that the variant leads to centromeric instability and reduced promoter methylation at some genes (e.g., Kamae_2018, Velasco_2014, Velasco_2018). No clinical diagnostic laboratories have submitted clinical-significance assessments for this variant to ClinVar after 2014. Based on the evidence outlined above, the variant was classified as pathogenic.

CENTOGENE GmbH and LLC - Guiding Precision Medicine
Classification: Likely pathogenic for Immunodeficiency-centromeric instability-facial anomalies syndrome type 2. Review status: criteria provided, single submitter. Criteria: ACMG Guidelines, 2015. Collection method: clinical testing. Allele origin: germline. Affected: yes.

OMIM
Classification: Pathogenic for IMMUNODEFICIENCY-CENTROMERIC INSTABILITY-FACIAL ANOMALIES SYNDROME 2. Last evaluated: 2011-06-10. Review status: no assertion criteria provided. Collection method: literature only. Allele origin: germline. Not counted in ClinVar's aggregate classification.

Literature cited by the submitters: PubMed 21596365 (cited by Women's Health and Genetics/Laboratory Corporation of America, LabCorp and OMIM); PubMed 29659838 (cited by Women's Health and Genetics/Laboratory Corporation of America, LabCorp); PubMed 30353301 (cited by Women's Health and Genetics/Laboratory Corporation of America, LabCorp); PubMed 24742017 (cited by Women's Health and Genetics/Laboratory Corporation of America, LabCorp).